The following is an entry in ClinVar:

ClinVar aggregate classification (germline): Uncertain significance (1 of 4 stars; one submission).

Submission:

GeneDx
Classification: Uncertain significance. Last evaluated: 2023-07-14. Review status: criteria provided, single submitter. Criteria: GeneDx Variant Classification Process June 2021. Collection method: clinical testing. Allele origin: germline. Affected: yes.
Comment: Not observed at significant frequency in large population cohorts (gnomAD); In silico analysis supports that this missense variant does not alter protein structure/function; Has not been previously published as pathogenic or benign to our knowledge

NM_021096.4(CACNA1I):c.5111T>A (p.Phe1704Tyr)

Gene: CACNA1I (calcium voltage-gated channel subunit alpha1 I; plus strand). Cytogenetic location: 22q13.1.
Variant type: single nucleotide variant.
Coding change: c.5111T>A on transcript NM_021096.4 (MANE Select); coding-DNA position 5111, T replaced by A.
Protein change: p.Phe1704Tyr; replaces phenylalanine 1704 with tyrosine.
Molecular consequence: missense variant.
Genome position (GRCh38, 1-based): chr22:39,679,162, T>A. VCF-style: chr22-39679162-T-A. GRCh37 (hg19) VCF-style: chr22-40075167-T-A.
Other names: c.5006T>A, p.Phe1669Tyr (NM_001003406.2); short protein forms F1669Y, F1704Y.
Identifiers: ClinVar variation 3361155 (VCV003361155.1).